The following is an entry in ClinVar:

ClinVar aggregate classification (germline): Conflicting classifications of pathogenicity. Review status: criteria provided, conflicting classifications (1 of 4 stars). 6 submissions from 6 submitters: Uncertain significance (2); Benign (1); Likely benign (3). Last evaluated 2026-01-27.

Conditions:
ADGRV1-related disorder. Also called: ADGRV1-related disorders; ADGRV1-related condition.
Inborn genetic diseases. Identifiers: MedGen C0950123, MeSH D030342.

Allele frequency attached by ClinVar (database versions not stated): gnomAD exomes 0.00004 and 0.00008; ExAC 0.00013; 1000 Genomes Project 30x 0.00016; ESP Exome Variant Server 0.00017; 1000 Genomes Project 0.00020; gnomAD 0.00024 and 0.00026; TOPMed 0.00028.
gnomAD v4.1: 97 of 1,559,886 alleles (0.0062%); highest among the groups gnomAD compares: African/African-American, 0.087%; no homozygotes.

Submissions (6):

Labcorp Genetics (formerly Invitae), Labcorp
Classification: Benign. Last evaluated: 2026-01-27. Review status: criteria provided, single submitter. Criteria: Invitae Variant Classification Sherloc (09022015). Collection method: clinical testing. Allele origin: germline.

Women's Health and Genetics/Laboratory Corporation of America, LabCorp
Classification: Uncertain significance. Last evaluated: 2026-01-16. Review status: criteria provided, single submitter. Criteria: LabCorp Variant Classification Summary - May 2015. Collection method: clinical testing. Allele origin: germline.
Comment: Variant summary: ADGRV1 c.16175T>C (p.Ile5392Thr) results in a non-conservative amino acid change in the encoded protein sequence. Algorithms developed to predict the effect of missense changes on protein structure and function are either unavailable or do not agree on the potential impact of this missense change. The variant allele was found at a frequency of 7.7e-05 in 181054 control chromosomes. This frequency is not significantly higher than estimated for disease-causing variants in ADGRV1, allowing no conclusion about variant significance. To our knowledge, no occurrence of c.16175T>C in individuals affected with ADGRV1-related conditions and no experimental evidence demonstrating its impact on protein function have been reported. ClinVar contains an entry for this variant (Variation ID: 667562). Based on the evidence outlined above, the variant was classified as uncertain significance.

PreventionGenetics, part of Exact Sciences
Classification: Uncertain significance for ADGRV1-related condition. Last evaluated: 2025-12-31. Review status: criteria provided, single submitter. Criteria: ACMG Guidelines, 2015. Collection method: clinical testing. Allele origin: germline.
Comment: The ADGRV1 c.16175T>C variant is predicted to result in the amino acid substitution p.Ile5392Thr. To our knowledge, this variant has not been reported in the literature. This variant is reported in 0.099% of alleles in individuals of African descent in gnomAD, which may be too frequent to be a primary cause of disease. Although we suspect that this variant may be benign, at this time, the clinical significance of this variant is uncertain due to the absence of conclusive functional and genetic evidence.

Blueprint Genetics
Classification: Likely benign. Last evaluated: 2024-10-04. Review status: criteria provided, single submitter. Criteria: ACMG Guidelines, 2015. Collection method: clinical testing. Allele origin: germline.

Ambry Genetics
Classification: Likely benign for Inborn genetic diseases. Last evaluated: 2024-08-20. Review status: criteria provided, single submitter. Criteria: Ambry Variant Classification Scheme 2023. Collection method: clinical testing. Allele origin: germline.

GeneDx
Classification: Likely benign. Last evaluated: 2018-05-12. Review status: criteria provided, single submitter. Criteria: GeneDx Variant Classification (06012015). Collection method: clinical testing. Allele origin: germline. Affected: yes.
Comment: This variant is considered likely benign or benign based on one or more of the following criteria: it is a conservative change, it occurs at a poorly conserved position in the protein, it is predicted to be benign by multiple in silico algorithms, and/or has population frequency not consistent with disease.

NM_032119.4(ADGRV1):c.16175T>C (p.Ile5392Thr)

Gene: ADGRV1 (adhesion G protein-coupled receptor V1; plus strand). Cytogenetic location: 5q14.3.
Variant type: single nucleotide variant.
Coding change: c.16175T>C on transcript NM_032119.4 (MANE Select); coding-DNA position 16175, T replaced by C.
Protein change: p.Ile5392Thr; replaces isoleucine 5392 with threonine.
Molecular consequence: missense variant. On other transcripts: non-coding transcript variant (1).
Genome position (GRCh38, 1-based): chr5:90,815,715, T>C. VCF-style: chr5-90815715-T-C. GRCh37 (hg19) VCF-style: chr5-90111532-T-C.
Other names: short protein forms I5392T.
Identifiers: ClinVar variation 667562 (VCV000667562.14), dbSNP rs113837859, ClinGen allele CA3342056.